The following is an entry in ClinVar:

NM_182925.5(FLT4):c.482C>A (p.Ser161Tyr)

Gene: FLT4 (fms related receptor tyrosine kinase 4; minus strand). Cytogenetic location: 5q35.3.
Variant type: single nucleotide variant.
Coding change: c.482C>A on transcript NM_182925.5 (MANE Select); coding-DNA position 482, C replaced by A.
Protein change: p.Ser161Tyr; replaces serine 161 with tyrosine.
Molecular consequence: missense variant.
Genome position (GRCh38, 1-based): chr5:180,630,256, G>T on the plus strand (C>A on the coding strand, the complement: FLT4 is on the minus strand). VCF-style: chr5-180630256-G-T. GRCh37 (hg19) VCF-style: chr5-180057256-G-T.
Other names: c.482C>A, p.Ser161Tyr (NM_001354989.2, NM_002020.5); short protein forms S161Y.
Identifiers: ClinVar variation 2631647 (VCV002631647.1), dbSNP rs2127837066, ClinGen allele CA362506523.
Genomic context (GRCh38, chr5:180,630,256, plus strand): 5'-CGGATGCTGGGGTTGGGGTGGGGCCGTACCGAGCGCAGCGTGACATTGAGGCCGGGGATG[G>T]ACACCAGACAGGGCACCCACATGGCGTCCTTCCTGTTGACCAAGAGCGTGTCAGGCTTGT-3'
Protein context (NP_891555.2, residues 151-171): KDAMWVPCLV[Ser161Tyr]IPGLNVTLRS

ClinVar aggregate classification (germline): Uncertain significance (1 of 4 stars; one submission).

Conditions:
FLT4-related disorder. Also called: FLT4-related condition.

Submission:

PreventionGenetics, part of Exact Sciences
Classification: Uncertain significance for FLT4-related condition. Last evaluated: 2023-08-07. Review status: criteria provided, single submitter. Criteria: ACMG Guidelines, 2015. Collection method: clinical testing. Allele origin: germline.
Comment: The FLT4 c.482C>A variant is predicted to result in the amino acid substitution p.Ser161Tyr. To our knowledge, this variant has not been reported in the literature or in a large population database, indicating this variant is rare. Of note, a different missense variant affecting this amino acid (p.Ser161Phe) has been reported in an individual with tetralogy of Fallot (Table S4, Page et al. 2019. PubMed ID: 30582441). At this time, the clinical significance of this variant is uncertain due to the absence of conclusive functional and genetic evidence.